The following is an entry in ClinVar:

NM_000179.3(MSH6):c.2391C>T (p.Asp797=)

Gene: MSH6 (mutS homolog 6; plus strand). Cytogenetic location: 2p16.3.
Variant type: single nucleotide variant.
Coding change: c.2391C>T on transcript NM_000179.3 (MANE Select); coding-DNA position 2391, C replaced by T.
Protein change: p.Asp797=; no amino-acid change (aspartic acid 797 retained).
Molecular consequence: synonymous variant.
Genome position (GRCh38, 1-based): chr2:47,800,374, C>T. VCF-style: chr2-47800374-C-T. GRCh37 (hg19) VCF-style: chr2-48027513-C-T.
Other names: c.2001C>T, p.Asp667= (NM_001281492.2); c.1485C>T, p.Asp495= (NM_001281493.2, NM_001281494.2).
Identifiers: ClinVar variation 237156 (VCV000237156.25), dbSNP rs754870044, ClinGen allele CA068909.

ClinVar aggregate classification (germline): Benign/Likely benign. Review status: criteria provided, multiple submitters, no conflicts (2 of 4 stars). 9 submissions from 9 submitters: Benign (1); Likely benign (7). 1 of the submissions does not count toward it. Last evaluated 2025-11-23.

Conditions:
Hereditary nonpolyposis colorectal neoplasms. Identifiers: MedGen C0009405, MeSH D003123.
Carcinoma of colon (CRC). Also called: Colonic carcinoma; Colon carcinoma. Identifiers: MedGen C0699790, MONDO:0002032.
Lynch syndrome 5 (LYNCH5). Also called: Colorectal cancer, hereditary nonpolyposis, type 5; Hereditary non-polyposis colorectal cancer, type 5. Identifiers: Orphanet 144, MedGen C1833477, MONDO:0013710, OMIM 614350. Disease mechanism: loss of function.
Hereditary cancer-predisposing syndrome. Also called: Neoplastic Syndromes, Hereditary; Hereditary Cancer Syndrome; Tumor predisposition; Hereditary neoplastic syndrome. Identifiers: Orphanet 140162, MedGen C0027672, MeSH D009386, MONDO:0015356.

Allele frequency attached by ClinVar (database versions not stated): TOPMed below 0.00001; ExAC 0.00001; gnomAD 0.00001; gnomAD exomes 0.00001.
gnomAD v4.1: 12 of 1,613,898 alleles (0.00074%); highest among the groups gnomAD compares: East Asian, 0.013%; no homozygotes.

Submissions (9):

Labcorp Genetics (formerly Invitae), Labcorp
Classification: Likely benign for Hereditary nonpolyposis colorectal neoplasms. Last evaluated: 2025-11-23. Review status: criteria provided, single submitter. Criteria: Invitae Variant Classification Sherloc (09022015). Collection method: clinical testing. Allele origin: germline.

Myriad Genetics, Inc.
Classification: Benign for Lynch syndrome 5. Last evaluated: 2024-12-31. Review status: criteria provided, single submitter. Criteria: Myriad Autosomal Dominant, Autosomal Recessive and X-Linked Classification Criteria (2023). Collection method: clinical testing. Allele origin: unknown.
Comment: This variant is considered benign. This variant is a silent/synonymous amino acid change and it is not expected to impact splicing.

Blueprint Genetics
Classification: Likely benign. Last evaluated: 2024-06-06. Review status: criteria provided, single submitter. Criteria: ACMG Guidelines, 2015. Collection method: clinical testing. Allele origin: germline.

Women's Health and Genetics/Laboratory Corporation of America, LabCorp
Classification: Likely benign. Last evaluated: 2024-03-04. Review status: criteria provided, single submitter. Criteria: LabCorp Variant Classification Summary - May 2015. Collection method: clinical testing. Allele origin: germline.

Sema4
Classification: Likely benign for Hereditary cancer-predisposing syndrome. Last evaluated: 2021-11-27. Review status: criteria provided, single submitter. Criteria: Sema4 Curation Guidelines. Collection method: curation. Allele origin: germline.

GeneDx
Classification: Likely benign. Last evaluated: 2017-11-27. Review status: criteria provided, single submitter. Criteria: GeneDx Variant Classification (06012015). Collection method: clinical testing. Allele origin: germline. Affected: yes.
Comment: This variant is considered likely benign or benign based on one or more of the following criteria: it is a conservative change, it occurs at a poorly conserved position in the protein, it is predicted to be benign by multiple in silico algorithms, and/or has population frequency not consistent with disease.

Color Diagnostics, LLC DBA Color Health
Classification: Likely benign for Hereditary cancer-predisposing syndrome. Last evaluated: 2017-01-22. Review status: criteria provided, single submitter. Criteria: ACMG Guidelines, 2015. Collection method: clinical testing. Allele origin: germline.

Ambry Genetics
Classification: Likely benign for Hereditary cancer-predisposing syndrome. Last evaluated: 2015-04-24. Review status: criteria provided, single submitter. Criteria: Ambry Variant Classification Scheme 2023. Collection method: clinical testing. Allele origin: germline.

Department of Pathology and Laboratory Medicine, Sinai Health System
Classification: Likely benign for Carcinoma of colon. Review status: no assertion criteria provided. Collection method: clinical testing. Allele origin: unknown. Affected: yes. Study: The Canadian Open Genetics Repository (COGR). Not counted in ClinVar's aggregate classification.
Comment: The MSH6 p.Asp797= variant was not identified in the literature nor was it identified in the COGR, Cosmic, UMD-LSDB, Zhejiang Colon Cancer Database, Mismatch Repair Genes Variant Database, Insight Hereditary Tumors Database, databases. The variant was identified in dbSNP (ID: rs754870044) as With Likely benign allele, ClinVar (classified as likely benign by Invitae, GeneDx, Ambry Genetics, Color Genomics) and Clinvitae. The variant was identified in control databases in 3 of 245566 chromosomes at a frequency of 0.000012 (Genome Aggregation Database Feb 27, 2017). It was observed in the East Asian population in 3 of 17248 chromosomes (freq: 0.0002); but not in the African, Other, Latino, European, Ashkenazi Jewish, Finnish, and South Asian populations. The p.Asp797= variant is not expected to have clinical significance because it does not result in a change of amino acid and is not located in a known consensus splice site. In addition, in silico or computational prediction software programs (SpliceSiteFinder, MaxEntScan, NNSPLICE, GeneSplicer, HumanSpliceFinder) do not predict a difference in splicing. In summary, based on the above information, the clinical significance of this variant cannot be determined with certainty at this time although we would lean towards a more benign role for this variant. This variant is classified as likely benign.